The following is an entry in ClinVar:

NM_000551.4(VHL):c.340+700C>G

Genes: VHL (von Hippel-Lindau tumor suppressor; plus strand), LOC107303340 (3p25 von Hippel-Lindau tumor suppressor, E3 ubiquitin protein ligase Alu-mediated recombination region; plus strand). Cytogenetic location: 3p25.3.
Variant type: single nucleotide variant.
Coding change: c.340+700C>G on transcript NM_000551.4 (MANE Select); 700 bases into the intron after coding-DNA position 340, C replaced by G.
Molecular consequence: intron variant. On other transcripts: synonymous variant (1).
Genome position (GRCh38, 1-based): chr3:10,142,887, C>G. VCF-style: chr3-10142887-C-G. GRCh37 (hg19) VCF-style: chr3-10184571-C-G.
Other names: c.465C>G, p.Ala155= (NM_001354723.2); c.340+700C>G (NM_198156.3).
Identifiers: ClinVar variation 1051835 (VCV001051835.10), dbSNP rs778132298, ClinGen allele CA1044995516.

ClinVar aggregate classification (germline): Uncertain significance (1 of 4 stars; one submission).

Conditions:
Chuvash polycythemia. Also called: POLYCYTHEMIA, VHL-DEPENDENT. Identifiers: Orphanet 238557, MedGen C1837915, MONDO:0009892, OMIM 263400.
Von Hippel-Lindau syndrome (VHLS). Also called: Von Hippel-Lindau; von Hippel–Lindau syndrome; VHL syndrome. Identifiers: Orphanet 892, MedGen C0019562, MONDO:0008667, OMIM 193300. Disease mechanism: loss of function.

Allele frequency attached by ClinVar (database versions not stated): TOPMed below 0.00001; gnomAD 0.00001.
gnomAD v4.1: 1 of 152,334 alleles (0.00066%); highest among the groups gnomAD compares: Non-Finnish European, 0.0015%; no homozygotes.

Submission:

Labcorp Genetics (formerly Invitae), Labcorp
Classification: Uncertain significance for Von Hippel-Lindau syndrome; Chuvash polycythemia. Last evaluated: 2025-12-23. Review status: criteria provided, single submitter. Criteria: Invitae Variant Classification Sherloc (09022015). Collection method: clinical testing. Allele origin: germline.
Comment: This sequence change falls in intron 1 of the VHL gene. It is not expected to change the encoded amino acid sequence of the VHL protein. However, this sequence change falls within a cryptic exon in the VHL gene, known as exon E1’, which is naturally expressed at low levels in several human tissues (PMID: 29891534). This variant is not present in population databases (gnomAD no frequency). This variant has not been reported in the literature in individuals affected with VHL-related conditions. ClinVar contains an entry for this variant (Variation ID: 1051835). Studies have shown that this variant is associated with inconclusive levels of altered splicing (internal data). In summary, the available evidence is currently insufficient to determine the role of this variant in disease. Therefore, it has been classified as a Variant of Uncertain Significance.

Literature cited by the submitters: PubMed 29891534.